The following is an entry in ClinVar:

NM_152564.5(VPS13B):c.5968C>G (p.Pro1990Ala)

Gene: VPS13B (vacuolar protein sorting 13 homolog B; plus strand). Cytogenetic location: 8q22.2.
Variant type: single nucleotide variant.
Coding change: c.5968C>G on transcript NM_152564.5 (MANE Select); coding-DNA position 5968, C replaced by G.
Protein change: p.Pro1990Ala; replaces proline 1990 with alanine.
Molecular consequence: missense variant.
Genome position (GRCh38, 1-based): chr8:99,661,413, C>G. VCF-style: chr8-99661413-C-G. GRCh37 (hg19) VCF-style: chr8-100673641-C-G.
Other names: c.6043C>G, p.Pro2015Ala (NM_017890.5); short protein forms P2015A, P1990A.
Identifiers: ClinVar variation 1751247 (VCV001751247.2), dbSNP rs1182628111, ClinGen allele CA371868895.
Genomic context (GRCh38, chr8:99,661,413, plus strand): 5'-GATCCTGGGAAGACTCTGCCTGAAGCCCTTGATTATTGCACTGTTTGGCTACAGACAGTG[C>G]CTGGAGAAATAGACAGCAAAAGTGGTATTCCACCTTCCTTTATAACACTACAGATTAAAG-3'
Protein context (NP_689777.3, residues 1980-2000): DYCTVWLQTV[Pro1990Ala]GEIDSKSGIP

ClinVar aggregate classification (germline): Uncertain significance (1 of 4 stars; one submission).

Conditions:
Inborn genetic diseases. Identifiers: MedGen C0950123, MeSH D030342.

Allele frequency attached by ClinVar (database versions not stated): TOPMed below 0.00001; gnomAD 0.00001.
gnomAD v4.1: 4 of 1,613,548 alleles (0.00025%); highest among the groups gnomAD compares: Non-Finnish European, 0.00034%; no homozygotes.

Submission:

Ambry Genetics
Classification: Uncertain significance for Inborn genetic diseases. Last evaluated: 2017-09-25. Review status: criteria provided, single submitter. Criteria: Ambry Variant Classification Scheme 2023. Collection method: clinical testing. Allele origin: germline.
Comment: The p.P2015A variant (also known as c.6043C>G), located in coding exon 34 of the VPS13B gene, results from a C to G substitution at nucleotide position 6043. The proline at codon 2015 is replaced by alanine, an amino acid with highly similar properties. This amino acid position is not well conserved in available vertebrate species, and alanine is the reference amino acid in other vertebrate species. In addition, this alteration is predicted to be tolerated by in silico analysis. Since supporting evidence is limited at this time, the clinical significance of this alteration remains unclear.